The following is an entry in ClinVar:

NM_004807.3(HS6ST1):c.917G>A (p.Arg306Gln)

Gene: HS6ST1 (heparan sulfate 6-O-sulfotransferase 1; minus strand). Cytogenetic location: 2q14.3.
Variant type: single nucleotide variant.
Coding change: c.917G>A on transcript NM_004807.3 (MANE Select); coding-DNA position 917, G replaced by A.
Protein change: p.Arg306Gln; replaces arginine 306 with glutamine.
Molecular consequence: missense variant.
Genome position (GRCh38, 1-based): chr2:128,268,481, C>T on the plus strand (G>A on the coding strand, the complement: HS6ST1 is on the minus strand). VCF-style: chr2-128268481-C-T. GRCh37 (hg19) VCF-style: chr2-129026055-C-T.
Other names: R296Q; c.917G>A (NM_004807.2); short protein forms R306Q.
Identifiers: ClinVar variation 39691 (VCV000039691.39), dbSNP rs201307896, ClinGen allele CA1867524.

ClinVar aggregate classification (germline): Uncertain significance. Review status: criteria provided, multiple submitters, no conflicts (2 of 4 stars). 7 submissions from 7 submitters: Uncertain significance (5). 2 of the submissions do not count toward it. Last evaluated 2025-09-03.

Conditions:
HS6ST1-related disorder. Also called: HS6ST1-related condition.
Hypogonadotropic hypogonadism 15 with anosmia. Identifiers: MedGen CN257939.

Allele frequency attached by ClinVar (database versions not stated): 1000 Genomes Project 30x 0.00047; gnomAD exomes 0.00071 and 0.00118; gnomAD 0.00077 and 0.00081; ExAC 0.00088; TOPMed 0.00092; ESP Exome Variant Server 0.00127.

Submissions (7):

Labcorp Genetics (formerly Invitae), Labcorp
Classification: Uncertain significance. Last evaluated: 2025-09-03. Review status: criteria provided, single submitter. Criteria: Invitae Variant Classification Sherloc (09022015). Collection method: clinical testing. Allele origin: germline.
Comment: This sequence change replaces arginine, which is basic and polar, with glutamine, which is neutral and polar, at codon 306 of the HS6ST1 protein (p.Arg306Gln). This variant is present in population databases (rs201307896, gnomAD 0.1%), and has an allele count higher than expected for a pathogenic variant. This missense change has been observed in individual(s) with Kallmann syndrome and hypogonadotrophic hypogonadism (PMID: 21700882, 25077900). This variant is also known as R296Q. ClinVar contains an entry for this variant (Variation ID: 39691). Invitae Evidence Modeling of protein sequence and biophysical properties (such as structural, functional, and spatial information, amino acid conservation, physicochemical variation, residue mobility, and thermodynamic stability) indicates that this missense variant is not expected to disrupt HS6ST1 protein function with a negative predictive value of 80%. Experimental studies have shown that this missense change affects HS6ST1 function (PMID: 21700882). In summary, the available evidence is currently insufficient to determine the role of this variant in disease. Therefore, it has been classified as a Variant of Uncertain Significance.

GeneDx
Classification: Uncertain significance. Last evaluated: 2024-04-22. Review status: criteria provided, single submitter. Criteria: GeneDx Variant Classification Process June 2021. Collection method: clinical testing. Allele origin: germline. Affected: yes.
Comment: Identified in additional patients with hypogonadotropic hypogonadism in published literature (PMID: 25077900, 23643382); Published functional studies demonstrate reduced enzyme activity, however, additional studies are needed to confirm a damaging effect (PMID: 21700882); In silico analysis indicates that this missense variant does not alter protein structure/function; Also known as p.R296Q; This variant is associated with the following publications: (PMID: 23643382, 34426522, 25077900, 21700882, 35805171)

CeGaT Center for Human Genetics Tuebingen
Classification: Uncertain significance. Last evaluated: 2023-05-01. Review status: criteria provided, single submitter. Criteria: CeGaT Center For Human Genetics Tuebingen Variant Classification Criteria Version 2. Collection method: clinical testing. Allele origin: germline. Affected: yes. Observed: 1 variant allele.
Comment: HS6ST1: PS4:Moderate, PM5:Supporting, PP3

Mendelics
Classification: Uncertain significance. Last evaluated: 2022-05-04. Review status: criteria provided, single submitter. Criteria: Mendelics Assertion Criteria 2019. Collection method: clinical testing. Allele origin: germline.

Breakthrough Genomics
Classification: Uncertain significance. Review status: criteria provided, single submitter. Criteria: ACMG Guidelines, 2015. Collection method: not provided. Allele origin: germline. Inheritance: Autosomal dominant inheritance. Affected: yes.

PreventionGenetics, part of Exact Sciences
Classification: Uncertain significance for HS6ST1-related condition. Last evaluated: 2024-01-08. Review status: no assertion criteria provided. Collection method: clinical testing. Allele origin: germline. Not counted in ClinVar's aggregate classification.
Comment: The HS6ST1 c.917G>A variant is predicted to result in the amino acid substitution p.Arg306Gln. This variant has been reported in the heterozygous state in several unrelated individuals with hypogonadotropic hypogonadism (referred to as R296Q in Tornberg et al. 2011. PubMed ID: 21700882; Miraoui et al. 2013. PubMed ID: 23643382, Table S3; Marcos et al. 2014. PubMed ID: 25077900, Supplementary table 2). In vitro functional studies showed that the p.Arg306Gln variant displayed some reduced enzymatic activity (70-80% of WT activity) (referred to as R296Q in Tornberg et al. 2011. PubMed ID: 21700882). However, this variant is reported in 0.12% of alleles in individuals of European (Non-Finnish)descent in gnomAD. At this time, the clinical significance of this variant is uncertain due to the absence of conclusive functional and genetic evidence.

OMIM
Classification: risk factor for HYPOGONADOTROPIC HYPOGONADISM 15 WITH ANOSMIA, SUSCEPTIBILITY TO. Last evaluated: 2011-07-12. Review status: no assertion criteria provided. Collection method: literature only. Allele origin: germline. Not counted in ClinVar's aggregate classification.

Literature cited by the submitters: PubMed 21700882 (cited by Labcorp Genetics (formerly Invitae), Labcorp and OMIM); PubMed 25077900 (cited by Labcorp Genetics (formerly Invitae), Labcorp).